The following is an entry in ClinVar:

ClinVar aggregate classification (germline): Pathogenic (1 of 4 stars; one submission).

Conditions:
Neurofibromatosis, type 1 (NF1). Also called: Peripheral type neurofibromatosis; Neurofibromatosis, type I; VON RECKLINGHAUSEN DISEASE; NEUROFIBROMATOSIS, TYPE I, SOMATIC. Identifiers: Orphanet 636, MedGen C0027831, MONDO:0018975, OMIM 162200. Disease mechanism: loss of function.

Submission:

Labcorp Genetics (formerly Invitae), Labcorp
Classification: Pathogenic for Neurofibromatosis, type 1. Last evaluated: 2020-01-27. Review status: criteria provided, single submitter. Criteria: Invitae Variant Classification Sherloc (09022015). Collection method: clinical testing. Allele origin: germline.
Comment: For these reasons, this variant has been classified as Pathogenic. Loss-of-function variants in NF1 are known to be pathogenic (PMID: 10712197, 23913538). This variant has not been reported in the literature in individuals with NF1-related conditions. This variant is not present in population databases (ExAC no frequency). This sequence change creates a premature translational stop signal (p.Leu398Trpfs*14) in the NF1 gene. It is expected to result in an absent or disrupted protein product.

Literature cited by the submitters: PubMed 10712197; PubMed 23913538.

NM_001042492.3(NF1):c.1192del (p.Leu398fs)

Gene: NF1 (neurofibromin 1; plus strand). Cytogenetic location: 17q11.2.
Variant type: Deletion.
Coding change: c.1192del on transcript NM_001042492.3 (MANE Select); coding-DNA position 1192, one base deleted (C; older notation c.1192delC).
Protein change: p.Leu398fs; shifts the reading frame from leucine 398.
Molecular consequence: frameshift variant.
Genome position (GRCh38, 1-based): chr17:31,201,417, C deleted; the last of 2 consecutive C bases (chr17:31,201,416-31,201,417); deleting either gives the same sequence. VCF-style (leftmost placement, unchanged base first): chr17-31201415-GC-G. GRCh37 (hg19) VCF-style: chr17-29528433-GC-G.
Other names: c.1192delC, p.Leu398Trpfs (NM_000267.4); c.1192del, p.Leu398fs (NM_001128147.3); short protein forms L398fs.
Identifiers: ClinVar variation 835175 (VCV000835175.6), dbSNP rs2066527734, ClinGen allele CA916080595.
Genomic context (GRCh38, chr17:31,201,415, plus strand): 5'-ATTACTGAGTATTTTTCTCATAGAAATAATCTGCTTTTTTTTTTCTTTTTCTATAGATCT[GC>G]CTGGCTCAGAATTCACCTTCTACATTTCACTATGTGCTGGTAAATTCACTCCATCGAATC-3'